The following is an entry in ClinVar:

ClinVar aggregate classification (germline): Likely benign (1 of 4 stars; one submission).

Allele frequency attached by ClinVar (database versions not stated): gnomAD exomes below 0.00001.
gnomAD v4.1: 6 of 1,613,222 alleles (0.00037%); highest among the groups gnomAD compares: South Asian, 0.0044%; 1 homozygote.

Submission:

GeneDx
Classification: Likely benign. Last evaluated: 2018-01-08. Review status: criteria provided, single submitter. Criteria: GeneDx Variant Classification (06012015). Collection method: clinical testing. Allele origin: germline. Affected: yes.
Comment: This variant is considered likely benign or benign based on one or more of the following criteria: it is a conservative change, it occurs at a poorly conserved position in the protein, it is predicted to be benign by multiple in silico algorithms, and/or has population frequency not consistent with disease.

NM_001371727.1(GABRB2):c.83A>G (p.Asn28Ser)

Gene: GABRB2 (gamma-aminobutyric acid type A receptor subunit beta2; minus strand). Cytogenetic location: 5q34.
Variant type: single nucleotide variant.
Coding change: c.83A>G on transcript NM_001371727.1 (MANE Select); coding-DNA position 83, A replaced by G.
Protein change: p.Asn28Ser; replaces asparagine 28 with serine.
Molecular consequence: missense variant.
Genome position (GRCh38, 1-based): chr5:161,546,408, T>C on the plus strand (A>G on the coding strand, the complement: GABRB2 is on the minus strand). VCF-style: chr5-161546408-T-C. GRCh37 (hg19) VCF-style: chr5-160973414-T-C.
Other names: c.83A>G, p.Asn28Ser (NM_000813.3, NM_021911.3); short protein forms N28S.
Identifiers: ClinVar variation 450735 (VCV000450735.1), dbSNP rs1345193474, ClinGen allele CA362172789.
Genomic context (GRCh38, chr5:161,546,408, plus strand): 5'-TCATAGCCTTTCAGGAGTCTATCCACCGTCTCTTTAACCAGCGACATATTACTAGGGTCA[T>C]TGACACTAAAGAAAGAAATGACAATAAGCAGGCATCAATAAGGAAGCAGGCATAGCGTTT-3'
Protein context (NP_001358656.1, residues 18-38): IIAAVCAQSV[Asn28Ser]DPSNMSLVKE